The following is an entry in ClinVar:

NM_003000.3(SDHB):c.29G>A (p.Arg10Lys)

Gene: SDHB (succinate dehydrogenase complex iron sulfur subunit B; minus strand). Cytogenetic location: 1p36.13.
Variant type: single nucleotide variant.
Coding change: c.29G>A on transcript NM_003000.3 (MANE Select); coding-DNA position 29, G replaced by A.
Protein change: p.Arg10Lys; replaces arginine 10 with lysine.
Molecular consequence: missense variant.
Genome position (GRCh38, 1-based): chr1:17,053,991, C>T on the plus strand (G>A on the coding strand, the complement: SDHB is on the minus strand). VCF-style: chr1-17053991-C-T. GRCh37 (hg19) VCF-style: chr1-17380486-C-T.
Other names: short protein forms R10K.
Identifiers: ClinVar variation 822497 (VCV000822497.12), dbSNP rs1570963545, ClinGen allele CA338230835.

ClinVar aggregate classification (germline): Conflicting classifications of pathogenicity. Review status: criteria provided, conflicting classifications (1 of 4 stars). 4 submissions from 4 submitters: Uncertain significance (3); Likely benign (1). Last evaluated 2024-07-29.

Conditions:
Hereditary pheochromocytoma and paraganglioma. Also called: Hereditary pheochromocytoma-paraganglioma; Hereditary Paraganglioma-Pheochromocytoma Syndromes; Hereditary paragangliomas and pheochromocytomas. Identifiers: Orphanet 29072, MedGen C4274332, MONDO:0017366.
Hereditary cancer-predisposing syndrome. Also called: Neoplastic Syndromes, Hereditary; Hereditary Cancer Syndrome; Hereditary neoplastic syndrome; Tumor predisposition. Identifiers: Orphanet 140162, MedGen C0027672, MeSH D009386, MONDO:0015356.
Pheochromocytoma/paraganglioma syndrome 4. Also called: SDHB-Related Hereditary Paraganglioma-Pheochromocytoma Syndrome (Paragangliomas 4); SDHB-Related Hereditary Paraganglioma-Pheochromocytoma Syndrome; Paragangliomas 4; CAROTID BODY TUMORS AND MULTIPLE EXTRAADRENAL PHEOCHROMOCYTOMAS; PARAGANGLIOMA, FAMILIAL MALIGNANT; PARAGANGLIOMAS, HEREDITARY EXTRAADRENAL. Identifiers: Orphanet 29072, MedGen C1861848, MONDO:0007273, OMIM 115310.
Gastrointestinal stromal tumor. Also called: Gastrointestinal stromal tumor, somatic; Gastrointestinal stroma tumor. Identifiers: Orphanet 44890, MedGen C0238198, MeSH D046152, MONDO:0011719, OMIM 606764, HP:0100723.
Pheochromocytoma. Also called: MAX-Related Hereditary Paraganglioma-Pheochromocytoma Syndrome. Identifiers: Orphanet 29072, MedGen C0031511, MONDO:0008233, OMIM 171300, HP:0002666.

Submissions (4):

All of Us Research Program, National Institutes of Health
Classification: Uncertain significance for Hereditary pheochromocytoma and paraganglioma. Last evaluated: 2024-07-29. Review status: criteria provided, single submitter. Criteria: ACMG Guidelines, 2015. Collection method: clinical testing. Allele origin: germline. Inheritance: Autosomal dominant inheritance. Observed: 1 variant allele, 1 heterozygote.
Comment: This missense variant replaces arginine with lysine at codon 10 of the SDHB protein. Computational prediction suggests that this variant may not impact protein structure and function. To our knowledge, functional studies have not been reported for this variant. This variant has not been reported in individuals affected with SDHB-related disorders in the literature. This variant has not been identified in the general population by the Genome Aggregation Database (gnomAD). The available evidence is insufficient to determine the role of this variant in disease conclusively. Therefore, this variant is classified as a Variant of Uncertain Significance.

This study involves interpretation of variants in research participants for the purpose of population health screening. Participant phenotype was not available at the time of variant classification. Additional details can be found in publication PMID: 35346344, PMCID: PMC8962531

Labcorp Genetics (formerly Invitae), Labcorp
Classification: Uncertain significance for Gastrointestinal stromal tumor; Pheochromocytoma/paraganglioma syndrome 4; Pheochromocytoma. Last evaluated: 2024-04-29. Review status: criteria provided, single submitter. Criteria: Invitae Variant Classification Sherloc (09022015). Collection method: clinical testing. Allele origin: germline.
Comment: This sequence change replaces arginine, which is basic and polar, with lysine, which is basic and polar, at codon 10 of the SDHB protein (p.Arg10Lys). This variant is not present in population databases (gnomAD no frequency). This variant has not been reported in the literature in individuals affected with SDHB-related conditions. ClinVar contains an entry for this variant (Variation ID: 822497). Advanced modeling of protein sequence and biophysical properties (such as structural, functional, and spatial information, amino acid conservation, physicochemical variation, residue mobility, and thermodynamic stability) performed at Invitae indicates that this missense variant is not expected to disrupt SDHB protein function with a negative predictive value of 95%. In summary, the available evidence is currently insufficient to determine the role of this variant in disease. Therefore, it has been classified as a Variant of Uncertain Significance.

Baylor Genetics
Classification: Uncertain significance for Gastrointestinal stromal tumor. Last evaluated: 2023-05-16. Review status: criteria provided, single submitter. Criteria: ACMG Guidelines, 2015. Collection method: clinical testing. Allele origin: unknown.

Ambry Genetics
Classification: Likely benign for Hereditary cancer-predisposing syndrome. Last evaluated: 2019-02-11. Review status: criteria provided, single submitter. Criteria: Ambry Variant Classification Scheme 2023. Collection method: clinical testing. Allele origin: germline.